The following is an entry in ClinVar:

ClinVar aggregate classification (germline): Uncertain significance. Review status: criteria provided, multiple submitters, no conflicts (2 of 4 stars). 2 submissions from 2 submitters: Uncertain significance (2). Last evaluated 2025-07-14.

Conditions:
KRT74-related disorder. Also called: KRT74-related condition.

Allele frequency attached by ClinVar (database versions not stated): ExAC 0.00003; gnomAD 0.00006; ESP Exome Variant Server 0.00008.

Submissions (2):

Ambry Genetics
Classification: Uncertain significance. Last evaluated: 2025-07-14. Review status: criteria provided, single submitter. Criteria: Ambry Variant Classification Scheme 2023. Collection method: clinical testing. Allele origin: germline.

PreventionGenetics, part of Exact Sciences
Classification: Uncertain significance for KRT74-related condition. Last evaluated: 2024-11-03. Review status: criteria provided, single submitter. Criteria: ACMG Guidelines, 2015. Collection method: clinical testing. Allele origin: germline.
Comment: The KRT74 c.1174C>T variant is predicted to result in the amino acid substitution p.Arg392Trp. To our knowledge, this variant has not been reported in the literature. This variant is reported in 0.0065% of alleles in individuals of South Asian descent in gnomAD. At this time, the clinical significance of this variant is uncertain due to the absence of conclusive functional and genetic evidence.

NM_175053.4(KRT74):c.1174C>T (p.Arg392Trp)

Gene: KRT74 (keratin 74; minus strand). Cytogenetic location: 12q13.13.
Variant type: single nucleotide variant.
Coding change: c.1174C>T on transcript NM_175053.4 (MANE Select); coding-DNA position 1174, C replaced by T.
Protein change: p.Arg392Trp; replaces arginine 392 with tryptophan.
Molecular consequence: missense variant.
Genome position (GRCh38, 1-based): chr12:52,568,350, G>A on the plus strand (C>T on the coding strand, the complement: KRT74 is on the minus strand). VCF-style: chr12-52568350-G-A. GRCh37 (hg19) VCF-style: chr12-52962134-G-A.
Other names: short protein forms R392W.
Identifiers: ClinVar variation 2471839 (VCV002471839.4), dbSNP rs147945552, ClinGen allele CA6583740.